The following is an entry in ClinVar:

NM_020717.5(SHROOM4):c.1879C>T (p.Pro627Ser)

Gene: SHROOM4 (shroom family member 4; minus strand). Cytogenetic location: Xp11.22.
Variant type: single nucleotide variant.
Coding change: c.1879C>T on transcript NM_020717.5 (MANE Select); coding-DNA position 1879, C replaced by T.
Protein change: p.Pro627Ser; replaces proline 627 with serine.
Molecular consequence: missense variant. On other transcripts: non-coding transcript variant (4).
Genome position (GRCh38, 1-based): chrX:50,634,194, G>A on the plus strand (C>T on the coding strand, the complement: SHROOM4 is on the minus strand). VCF-style: chrX-50634194-G-A. GRCh37 (hg19) VCF-style: chrX-50377194-G-A.
Other names: short protein forms P627S.
Identifiers: ClinVar variation 130308 (VCV000130308.12), dbSNP rs150861758, ClinGen allele CA155200.

ClinVar aggregate classification (germline): Likely benign. Review status: criteria provided, multiple submitters, no conflicts (2 of 4 stars). 6 submissions from 6 submitters: Likely benign (4). 2 of the submissions do not count toward it. Last evaluated 2024-11-26.

Conditions:
History of neurodevelopmental disorder. Identifiers: MedGen C2711754.

Allele frequency attached by ClinVar (database versions not stated): 1000 Genomes Project 30x 0.00042; 1000 Genomes Project 0.00053; ExAC 0.00121; TOPMed 0.00130; gnomAD 0.00149 and 0.00151; ESP Exome Variant Server 0.00199.
gnomAD v4.1: 2,856 of 1,209,641 alleles (0.24%); highest among the groups gnomAD compares: Non-Finnish European, 0.3%; 5 homozygotes.

Submissions (6):

Blueprint Genetics
Classification: Likely benign. Last evaluated: 2024-11-26. Review status: criteria provided, single submitter. Criteria: ACMG Guidelines, 2015. Collection method: clinical testing. Allele origin: germline.

Genetic Services Laboratory, University of Chicago
Classification: Likely benign. Last evaluated: 2014-10-02. Review status: criteria provided, single submitter. Criteria: ACMG Guidelines, 2015. Collection method: clinical testing. Allele origin: germline.

Ambry Genetics
Classification: Likely benign for History of neurodevelopmental disorder. Last evaluated: 2012-10-29. Review status: criteria provided, single submitter. Criteria: Ambry Autosomal Dominant and X-Linked criteria (10/2015). Collection method: clinical testing. Allele origin: germline. Observed: 1 variant allele.
Comment: In silico models in agreement (benign);Insufficient or conflicting evidence

Breakthrough Genomics
Classification: Likely benign. Review status: criteria provided, single submitter. Criteria: ACMG Guidelines, 2015. Collection method: not provided. Allele origin: germline. Inheritance: Unknown mechanism. Affected: yes.

Clinical Genetics DNA and cytogenetics Diagnostics Lab, Erasmus MC, Erasmus Medical Center
Classification: Benign. Review status: no assertion criteria provided. Collection method: clinical testing. Allele origin: germline. Affected: yes. Study: VKGL Data-share Consensus. Not counted in ClinVar's aggregate classification.

Laboratory of Diagnostic Genome Analysis, Leiden University Medical Center (LUMC)
Classification: Likely benign. Review status: no assertion criteria provided. Collection method: clinical testing. Allele origin: germline. Affected: yes. Study: VKGL Data-share Consensus. Not counted in ClinVar's aggregate classification.